The following is an entry in ClinVar:

ClinVar aggregate classification (germline): Uncertain significance (1 of 4 stars; one submission).

gnomAD v4.1: 1 of 1,614,068 alleles (0.000062%); highest among the groups gnomAD compares: Admixed American, 0.0017%; no homozygotes.

Submission:

Labcorp Genetics (formerly Invitae), Labcorp
Classification: Uncertain significance. Last evaluated: 2025-03-04. Review status: criteria provided, single submitter. Criteria: Invitae Variant Classification Sherloc (09022015). Collection method: clinical testing. Allele origin: germline.
Comment: This sequence change replaces arginine, which is basic and polar, with glycine, which is neutral and non-polar, at codon 282 of the WNK4 protein (p.Arg282Gly). This variant is present in population databases (no rsID available, gnomAD 0.003%). This variant has not been reported in the literature in individuals affected with WNK4-related conditions. Experimental studies and prediction algorithms are not available or were not evaluated, and the functional significance of this variant is currently unknown. In summary, the available evidence is currently insufficient to determine the role of this variant in disease. Therefore, it has been classified as a Variant of Uncertain Significance.

NM_032387.5(WNK4):c.844C>G (p.Arg282Gly)

Genes: WNK4 (WNK lysine deficient protein kinase 4; plus strand), LOC126862568 (CDK7 strongly-dependent group 2 enhancer GRCh37_chr17:40934948-40936147; plus strand). Cytogenetic location: 17q21.2.
Variant type: single nucleotide variant.
Coding change: c.844C>G on transcript NM_032387.5 (MANE Select); coding-DNA position 844, C replaced by G.
Protein change: p.Arg282Gly; replaces arginine 282 with glycine.
Molecular consequence: missense variant. On other transcripts: 5 prime UTR variant (1).
Genome position (GRCh38, 1-based): chr17:42,783,989, C>G. VCF-style: chr17-42783989-C-G. GRCh37 (hg19) VCF-style: chr17-40936007-C-G.
Other names: c.-76C>G (NM_001321299.2); short protein forms R282G.
Identifiers: ClinVar variation 4771765 (VCV004771765.1).